The following is an entry in ClinVar:

ClinVar aggregate classification (germline): Pathogenic. Review status: reviewed by expert panel (3 of 4 stars). 4 submissions from 4 submitters: Pathogenic (1). 3 of the submissions do not count toward it. Last evaluated 2016-09-08.

Conditions:
Hereditary breast ovarian cancer syndrome. Also called: Breast and ovarian cancer; Hereditary breast and ovarian cancer; Hereditary breast and ovarian cancer syndrome; BRCA1- and BRCA2-Associated Hereditary Breast and Ovarian Cancer; Hereditary breast and ovarian cancer syndrome (HBOC); Hereditary breast and/or ovarian cancer syndrome. Identifiers: Orphanet 145, MedGen C0677776, MeSH D061325, MONDO:0003582. Disease mechanism: loss of function.
Hereditary cancer-predisposing syndrome. Also called: Tumor predisposition; Hereditary Cancer Syndrome; Neoplastic Syndromes, Hereditary; Hereditary neoplastic syndrome. Identifiers: Orphanet 140162, MedGen C0027672, MeSH D009386, MONDO:0015356.
Breast-ovarian cancer, familial, susceptibility to, 2 (BROVCA2). Also called: BRCA2 Hereditary Breast and Ovarian Cancer. Identifiers: Orphanet 145, MedGen C2675520, MONDO:0012933, OMIM 612555. Disease mechanism: loss of function.

gnomAD v4.1: 1 of 1,613,984 alleles (0.000062%); highest among the groups gnomAD compares: Non-Finnish European, 0.000085%; no homozygotes.

Submissions (4):

Evidence-based Network for the Interpretation of Germline Mutant Alleles (ENIGMA)
Classification: Pathogenic for Breast-ovarian cancer, familial, susceptibility to, 2. Last evaluated: 2016-09-08. Review status: reviewed by expert panel. Criteria: ENIGMA BRCA1/2 Classification Criteria (2015). Collection method: curation. Allele origin: germline.
Comment: Variant allele predicted to encode a truncated non-functional protein.

Ambry Genetics
Classification: Pathogenic for Hereditary cancer-predisposing syndrome. Last evaluated: 2025-03-10. Review status: criteria provided, single submitter. Criteria: Ambry Variant Classification Scheme 2023. Collection method: clinical testing. Allele origin: germline. Not counted in ClinVar's aggregate classification.
Comment: The c.9573G>A (p.W3191*) alteration, located in exon 26 (coding exon 25) of the BRCA2 gene, consists of a G to A substitution at nucleotide position 9573. This changes the amino acid from a tryptophan (W) to a stop codon at amino acid position 3191. This alteration is expected to result in loss of function by premature protein truncation or nonsense-mediated mRNA decay. This variant was not reported in population-based cohorts in the Genome Aggregation Database (gnomAD). Based on the available evidence, this alteration is classified as pathogenic.

Labcorp Genetics (formerly Invitae), Labcorp
Classification: Pathogenic for Hereditary breast ovarian cancer syndrome. Last evaluated: 2025-01-01. Review status: criteria provided, single submitter. Criteria: Invitae Variant Classification Sherloc (09022015). Collection method: clinical testing. Allele origin: germline. Not counted in ClinVar's aggregate classification.
Comment: This sequence change creates a premature translational stop signal (p.Trp3191*) in the BRCA2 gene. It is expected to result in an absent or disrupted protein product. Loss-of-function variants in BRCA2 are known to be pathogenic (PMID: 20104584). This variant is not present in population databases (gnomAD no frequency). This premature translational stop signal has been observed in individual(s) with breast cancer (PMID: 25186627). ClinVar contains an entry for this variant (Variation ID: 91529). For these reasons, this variant has been classified as Pathogenic.

Sharing Clinical Reports Project (SCRP)
Classification: Pathogenic for Breast-ovarian cancer, familial 2. Last evaluated: 2012-02-07. Review status: no assertion criteria provided. Collection method: clinical testing. Allele origin: germline. Not counted in ClinVar's aggregate classification.

Literature cited by the submitters: PubMed 25186627 (cited by Ambry Genetics and Labcorp Genetics (formerly Invitae), Labcorp); PubMed 20104584 (cited by Labcorp Genetics (formerly Invitae), Labcorp).

NM_000059.4(BRCA2):c.9573G>A (p.Trp3191Ter)

Gene: BRCA2 (BRCA2 DNA repair associated; plus strand). Cytogenetic location: 13q13.1.
Variant type: single nucleotide variant.
Coding change: c.9573G>A on transcript NM_000059.4 (MANE Select); coding-DNA position 9573, G replaced by A.
Protein change: p.Trp3191Ter; replaces tryptophan 3191 with a stop codon.
Molecular consequence: nonsense.
Genome position (GRCh38, 1-based): chr13:32,396,969, G>A. VCF-style: chr13-32396969-G-A. GRCh37 (hg19) VCF-style: chr13-32971106-G-A.
Other names: 9801G>A; short protein forms W3191*.
Identifiers: ClinVar variation 91529 (VCV000091529.15), dbSNP rs398122617, ClinGen allele CA026218.